The following is an entry in ClinVar:

ClinVar aggregate classification (germline): Uncertain significance (1 of 4 stars; one submission).

Conditions:
Progressive sclerosing poliodystrophy (MTDPS4A). Also called: Mitochondrial DNA depletion syndrome 4A (Alpers type); Alpers Syndrome; ALPERS DIFFUSE DEGENERATION OF CEREBRAL GRAY MATTER WITH HEPATIC CIRRHOSIS; Alpers-Huttenlocher Syndrome; ALPERS PROGRESSIVE INFANTILE POLIODYSTROPHY; NEURONAL DEGENERATION OF CHILDHOOD WITH LIVER DISEASE, PROGRESSIVE. Identifiers: Orphanet 726, MedGen C0205710, MONDO:0008758, OMIM 203700.

Submission:

Labcorp Genetics (formerly Invitae), Labcorp
Classification: Uncertain significance for Progressive sclerosing poliodystrophy. Last evaluated: 2025-08-20. Review status: criteria provided, single submitter. Criteria: Invitae Variant Classification Sherloc (09022015). Collection method: clinical testing. Allele origin: germline.
Comment: This sequence change replaces glycine, which is neutral and non-polar, with alanine, which is neutral and non-polar, at codon 1229 of the POLG protein (p.Gly1229Ala). This variant is not present in population databases (gnomAD no frequency). This missense change has been observed in individual(s) with clinical features of POLG-related conditions (PMID: 35861376). ClinVar contains an entry for this variant (Variation ID: 2139522). Invitae Evidence Modeling of protein sequence and biophysical properties (such as structural, functional, and spatial information, amino acid conservation, physicochemical variation, residue mobility, and thermodynamic stability) has been performed for this missense variant. However, the output from this modeling did not meet the statistical confidence thresholds required to predict the impact of this variant on POLG protein function. In summary, the available evidence is currently insufficient to determine the role of this variant in disease. Therefore, it has been classified as a Variant of Uncertain Significance.

Literature cited by the submitters: PubMed 35861376.

NM_002693.3(POLG):c.3686G>C (p.Gly1229Ala)

Genes: POLG (DNA polymerase gamma, catalytic subunit; minus strand), FANCI (FA complementation group I; plus strand). Cytogenetic location: 15q26.1.
Variant type: single nucleotide variant.
Coding change: c.3686G>C on transcript NM_002693.3 (MANE Select); coding-DNA position 3686, G replaced by C.
Protein change: p.Gly1229Ala; replaces glycine 1229 with alanine.
Molecular consequence: missense variant. On other transcripts: 3 prime UTR variant (4).
Genome position (GRCh38, 1-based): chr15:89,316,785, C>G on the plus strand (G>C on the coding strand, the complement: POLG is on the minus strand). VCF-style: chr15-89316785-C-G. GRCh37 (hg19) VCF-style: chr15-89860016-C-G.
Other names: c.*326C>G (NM_001376911.1, NM_018193.3, NM_001113378.2 and 1 more transcripts); c.3686G>C, p.Gly1229Ala (NM_001126131.2); short protein forms G1229A.
Identifiers: ClinVar variation 2139522 (VCV002139522.4), dbSNP rs371454241, ClinGen allele CA393746898.